The following is an entry in ClinVar:

ClinVar aggregate classification (germline): Uncertain significance (1 of 4 stars; one submission).

gnomAD v4.1: 18 of 1,177,478 alleles (0.0015%); highest among the groups gnomAD compares: East Asian, 0.024%; no homozygotes.

Submission:

Labcorp Genetics (formerly Invitae), Labcorp
Classification: Uncertain significance. Last evaluated: 2025-10-09. Review status: criteria provided, single submitter. Criteria: Invitae Variant Classification Sherloc (09022015). Collection method: clinical testing. Allele origin: germline.
Comment: This sequence change replaces arginine, which is basic and polar, with cysteine, which is neutral and slightly polar, at codon 31 of the POLA1 protein (p.Arg31Cys). The frequency data for this variant in the population databases is considered unreliable, as metrics indicate poor data quality at this position in the gnomAD database. This missense change has been observed in individual(s) with clinical features of POLA1-related conditions (PMID: 30392784). ClinVar contains an entry for this variant (Variation ID: 2169638). Invitae Evidence Modeling of protein sequence and biophysical properties (such as structural, functional, and spatial information, amino acid conservation, physicochemical variation, residue mobility, and thermodynamic stability) indicates that this missense variant is expected to disrupt POLA1 protein function with a positive predictive value of 80%. In summary, the available evidence is currently insufficient to determine the role of this variant in disease. Therefore, it has been classified as a Variant of Uncertain Significance.

Literature cited by the submitters: PubMed 30392784.

NM_001330360.2(POLA1):c.109C>T (p.Arg37Cys)

Gene: POLA1 (DNA polymerase alpha 1, catalytic subunit; plus strand). Cytogenetic location: Xp22.11.
Variant type: single nucleotide variant.
Coding change: c.109C>T on transcript NM_001330360.2 (MANE Select); coding-DNA position 109, C replaced by T.
Protein change: p.Arg37Cys; replaces arginine 37 with cysteine.
Molecular consequence: missense variant. On other transcripts: non-coding transcript variant (2).
Genome position (GRCh38, 1-based): chrX:24,699,490, C>T. VCF-style: chrX-24699490-C-T. GRCh37 (hg19) VCF-style: chrX-24717607-C-T.
Other names: c.109C>T, p.Arg37Cys (NM_001378303.1); c.91C>T, p.Arg31Cys (NM_016937.4); short protein forms R31C, R37C.
Identifiers: ClinVar variation 2169638 (VCV002169638.4), dbSNP rs138282947, ClinGen allele CA10372711.